The following is an entry in ClinVar:

NM_001159699.2(FHL1):c.737-10T>C

Gene: FHL1 (four and a half LIM domains 1; plus strand). Cytogenetic location: Xq26.3.
Variant type: single nucleotide variant.
Coding change: c.737-10T>C on transcript NM_001159699.2 (MANE Select); 10 bases into the intron before coding-DNA position 737, T replaced by C.
Molecular consequence: intron variant.
Genome position (GRCh38, 1-based): chrX:136,209,861, T>C. VCF-style: chrX-136209861-T-C. GRCh37 (hg19) VCF-style: chrX-135292020-T-C.
Other names: c.889-10T>C (NM_001159702.2, NM_001159702.3, NM_001369326.1 and 2 more transcripts); c.689-10T>C (NM_001449.5, NM_001369329.1, NM_001369330.1 and 4 more transcripts); c.502-10T>C (NM_001159703.2); c.776-10T>C (NM_001159701.2); c.550-10T>C (NM_001330659.2).
Identifiers: ClinVar variation 537358 (VCV000537358.14), dbSNP rs767421819, ClinGen allele CA10525113.

ClinVar aggregate classification (germline): Likely benign. Review status: criteria provided, multiple submitters, no conflicts (2 of 4 stars). 4 submissions from 4 submitters: Likely benign (4). Last evaluated 2026-01-25.

Conditions:
FHL1-related disorder. Also called: FHL1-related condition; FHL1-related disorders.
X-linked myopathy with postural muscle atrophy. Also called: FHL1-Related Emery-Dreifuss Muscular Dystrophy, X-Linked. Identifiers: Orphanet 178461, MedGen C2678055, MONDO:0010401, OMIM 300696.

Allele frequency attached by ClinVar (database versions not stated): gnomAD exomes 0.00003; gnomAD 0.00004; TOPMed 0.00006.

Submissions (4):

PreventionGenetics, part of Exact Sciences
Classification: Likely benign for FHL1-related condition. Last evaluated: 2026-01-25. Review status: criteria provided, single submitter. Criteria: ACMG Guidelines, 2015. Collection method: clinical testing. Allele origin: germline.
Comment: This variant is classified as likely benign based on ACMG/AMP sequence variant interpretation guidelines (Richards et al. 2015 PMID: 25741868, with internal and published modifications).

Labcorp Genetics (formerly Invitae), Labcorp
Classification: Likely benign for X-linked myopathy with postural muscle atrophy. Last evaluated: 2026-01-14. Review status: criteria provided, single submitter. Criteria: Invitae Variant Classification Sherloc (09022015). Collection method: clinical testing. Allele origin: germline.

Women's Health and Genetics/Laboratory Corporation of America, LabCorp
Classification: Likely benign. Last evaluated: 2024-10-06. Review status: criteria provided, single submitter. Criteria: LabCorp Variant Classification Summary - May 2015. Collection method: clinical testing. Allele origin: germline.

Blueprint Genetics
Classification: Likely benign. Last evaluated: 2022-04-05. Review status: criteria provided, single submitter. Criteria: ACMG Guidelines, 2015. Collection method: clinical testing. Allele origin: germline.